The following is an entry in ClinVar:

ClinVar aggregate classification (germline): Likely pathogenic (1 of 4 stars; one submission).

Conditions:
Nephrolithiasis/nephrocalcinosis. Identifiers: MedGen CN580796.

Submission:

Ambry Genetics
Classification: Likely pathogenic for Nephrolithiasis/nephrocalcinosis. Last evaluated: 2016-11-25. Review status: criteria provided, single submitter. Criteria: Ambry Variant Classification Scheme 2023. Collection method: clinical testing. Allele origin: germline.
Comment: The c.1713+2T>G intronic variant results from a T to G substitution two nucleotides after coding exon 16 in the OCRL gene. This variant was not reported in population based cohorts in the following databases: Database of Single Nucleotide Polymorphisms (dbSNP), NHLBI Exome Sequencing Project (ESP), and 1000 Genomes Project. In the ESP, this variant was not observed in 6503 samples with coverage at this position. This nucleotide position is highly conserved in available vertebrate species. Using the BDGP and ESEfinder splice site prediction tools, this alteration is predicted to abolish the native splice donor site; however, direct evidence is unavailable. Alterations that disrupt the canonical splice donor site are typically deleterious in nature (ACMG Recommendations for Standards for Interpretation and Reporting of Sequence Variations. Revision 2007. Genet Med. 2008;10:294). As such, the c.1713+2T>G variant is classified as likely pathogenic.

NM_000276.4(OCRL):c.1713+2T>G

Gene: OCRL (OCRL inositol polyphosphate-5-phosphatase; plus strand). Cytogenetic location: Xq26.1.
Variant type: single nucleotide variant.
Coding change: c.1713+2T>G on transcript NM_000276.4 (MANE Select); the canonical splice donor site of the intron after coding-DNA position 1713, T replaced by G.
Molecular consequence: splice donor variant.
Genome position (GRCh38, 1-based): chrX:129,575,252, T>G. VCF-style: chrX-129575252-T-G. GRCh37 (hg19) VCF-style: chrX-128709229-T-G.
Other names: c.1716+2T>G (NM_001318784.2); c.1713+2T>G (NM_001587.4).
Identifiers: ClinVar variation 1778594 (VCV001778594.2), dbSNP rs2124417909, ClinGen allele CA414617994.
Genomic context (GRCh38, chrX:129,575,252, plus strand): 5'-GCATCATGGACAGAATGGAAAATGACTTCCTTCCTTCCTTAGAACTCAGCAGGAGGGAGG[T>G]GAGCAAAAATACATGATCTCCCTGTCTACTGCTCACTGTGGTTAGCACAGAAGAAACTGC-3'